The following is an entry in ClinVar:

NM_000038.6(APC):c.4534G>A (p.Asp1512Asn)

Gene: APC (APC regulator of Wnt signaling pathway; plus strand). Cytogenetic location: 5q22.2.
Variant type: single nucleotide variant.
Coding change: c.4534G>A on transcript NM_000038.6 (MANE Select); coding-DNA position 4534, G replaced by A.
Protein change: p.Asp1512Asn; replaces aspartic acid 1512 with asparagine.
Molecular consequence: missense variant.
Genome position (GRCh38, 1-based): chr5:112,840,128, G>A. VCF-style: chr5-112840128-G-A. GRCh37 (hg19) VCF-style: chr5-112175825-G-A.
Other names: c.4534G>A, p.Asp1512Asn (NM_001127510.3, NM_001354895.2); c.4480G>A, p.Asp1494Asn (NM_001127511.3); c.4588G>A, p.Asp1530Asn (NM_001354896.2); c.4564G>A, p.Asp1522Asn (NM_001354897.2); c.4459G>A, p.Asp1487Asn (NM_001354898.2); c.4450G>A, p.Asp1484Asn (NM_001354899.2); c.4411G>A, p.Asp1471Asn (NM_001354900.2); c.4357G>A, p.Asp1453Asn (NM_001354901.2); and 5 more; short protein forms D1494N, D1512N, D1352N, D1530N, D1386N, D1453N, D1471N, D1487N.
Identifiers: ClinVar variation 186645 (VCV000186645.31), dbSNP rs778699501, ClinGen allele CA009616.

ClinVar aggregate classification (germline): Conflicting classifications of pathogenicity. Review status: criteria provided, conflicting classifications (1 of 4 stars). 8 submissions from 8 submitters: Uncertain significance (6); Benign (1); Likely benign (1). Last evaluated 2026-01-19.

Conditions:
Classic or attenuated familial adenomatous polyposis. Identifiers: MedGen CN372698, MONDO:0021057.
Hereditary cancer-predisposing syndrome. Also called: Neoplastic Syndromes, Hereditary; Tumor predisposition; Hereditary Cancer Syndrome; Hereditary neoplastic syndrome. Identifiers: Orphanet 140162, MedGen C0027672, MeSH D009386, MONDO:0015356.
APC-Associated Polyposis Disorders.
Familial adenomatous polyposis 1 (FAP1). Also called: FAMILIAL ADENOMATOUS POLYPOSIS 1, ATTENUATED; POLYPOSIS, ADENOMATOUS INTESTINAL. Identifiers: MedGen C2713442, MONDO:0021056, OMIM 175100. Disease mechanism: loss of function.

Allele frequency attached by ClinVar (database versions not stated): gnomAD 0.00001 and 0.00002; gnomAD exomes 0.00001 and 0.00002; TOPMed 0.00001; ExAC 0.00003.
gnomAD v4.1: 24 of 1,613,980 alleles (0.0015%); highest among the groups gnomAD compares: African/African-American, 0.0027%; no homozygotes.

Submissions (8):

Labcorp Genetics (formerly Invitae), Labcorp
Classification: Benign for Familial adenomatous polyposis 1. Last evaluated: 2026-01-19. Review status: criteria provided, single submitter. Criteria: Invitae Variant Classification Sherloc (09022015). Collection method: clinical testing. Allele origin: germline.

Institute for Biomarker Research, Medical Diagnostic Laboratories, L.L.C.
Classification: Uncertain significance for Hereditary cancer-predisposing syndrome. Last evaluated: 2025-01-30. Review status: criteria provided, single submitter. Criteria: ACMG Guidelines, 2015. Collection method: clinical testing. Allele origin: germline.
Comment: The missense variant NM_000038.6(APC):c.4534G>A (p.Asp1512Asn) has not been reported previously as a pathogenic variant, to our knowledge. There is a small physicochemical difference between aspartic acid and asparagine, which is not likely to impact secondary protein structure as these residues share similar properties. The p.Asp1512Asn missense variant is predicted to be damaging by both SIFT and PolyPhen2. The aspartic acid residue at codon 1512 of APC is conserved in all mammalian species. The nucleotide c.4534 in APC is predicted conserved by GERP++ and PhyloP across 100 vertebrates. For these reasons, this variant has been classified as Uncertain Significance.

All of Us Research Program, National Institutes of Health
Classification: Uncertain significance for Classic or attenuated familial adenomatous polyposis. Last evaluated: 2024-05-30. Review status: criteria provided, single submitter. Criteria: ACMG Guidelines, 2015. Collection method: clinical testing. Allele origin: germline. Inheritance: Autosomal dominant inheritance. Observed: 5 variant alleles, 5 heterozygotes.
Comment: This missense variant replaces aspartic acid with asparagine at codon 1512 of the APC protein. Computational prediction suggests that this variant may not impact protein structure and function (internally defined REVEL score threshold <= 0.5, PMID: 27666373). To our knowledge, functional studies have not been reported for this variant. This variant has not been reported in individuals affected with APC-related disorders in the literature. This variant has been identified in 6/281734 chromosomes in the general population by the Genome Aggregation Database (gnomAD). The available evidence is insufficient to determine the role of this variant in disease conclusively. Therefore, this variant is classified as a Variant of Uncertain Significance.

This study involves interpretation of variants in research participants for the purpose of population health screening. Participant phenotype was not available at the time of variant classification. Additional details can be found in publication PMID: 35346344, PMCID: PMC8962531

Color Diagnostics, LLC DBA Color Health
Classification: Uncertain significance for Hereditary cancer-predisposing syndrome. Last evaluated: 2024-02-05. Review status: criteria provided, single submitter. Criteria: ACMG Guidelines, 2015. Collection method: clinical testing. Allele origin: germline.
Comment: This missense variant replaces aspartic acid with asparagine at codon 1512 of the APC protein. Computational prediction suggests that this variant may not impact protein structure and function (internally defined REVEL score threshold <= 0.5, PMID: 27666373). To our knowledge, functional studies have not been reported for this variant. This variant has not been reported in individuals affected with APC-related disorders in the literature. This variant has been identified in 6/281734 chromosomes in the general population by the Genome Aggregation Database (gnomAD). The available evidence is insufficient to determine the role of this variant in disease conclusively. Therefore, this variant is classified as a Variant of Uncertain Significance.

Ambry Genetics
Classification: Likely benign for Hereditary cancer-predisposing syndrome. Last evaluated: 2021-08-02. Review status: criteria provided, single submitter. Criteria: Ambry Variant Classification Scheme 2023. Collection method: clinical testing. Allele origin: germline.

GeneDx
Classification: Uncertain significance. Last evaluated: 2020-08-14. Review status: criteria provided, single submitter. Criteria: GeneDx Variant Classification Process June 2021. Collection method: clinical testing. Allele origin: germline. Affected: yes.
Comment: Has not been previously published as a pathogenic or benign germline variant to our knowledge; In silico analysis, which includes protein predictors and evolutionary conservation, supports that this variant does not alter protein structure/function; This variant is associated with the following publications: (PMID: 15327768, 27027238, 29562902)

Women's Health and Genetics/Laboratory Corporation of America, LabCorp
Classification: Uncertain significance. Last evaluated: 2019-05-14. Review status: criteria provided, single submitter. Criteria: LabCorp Variant Classification Summary - May 2015. Collection method: clinical testing. Allele origin: germline.
Comment: Variant summary: APC c.4534G>A (p.Asp1512Asn) results in a conservative amino acid change in the encoded protein sequence. Three of five in-silico tools predict a damaging effect of the variant on protein function. The variant allele was found at a frequency of 2e-05 in 250350 control chromosomes (gnomAD). The available data on variant occurrences in the general population are insufficient to allow any conclusion about variant significance. The variant, c.4534G>A, has been reported in the literature in individuals affected with NSCLC or adenocarcinomas (Mambetsariev_2018, Sekine_2014). These reports do not provide unequivocal conclusions about association of the variant with Familial Adenomatous Polyposis. A co-occurrence with another pathogenic variant has been reported (APC c.1312+3A>G), providing supporting evidence for a benign role. To our knowledge, no experimental evidence demonstrating an impact on protein function has been reported. Four clinical diagnostic laboratories have submitted clinical-significance assessments for this variant to ClinVar after 2014 without evidence for independent evaluation (VUS, n=4). Based on the evidence outlined above, the variant was classified as VUS-possibly benign.

Illumina Laboratory Services, Illumina
Classification: Uncertain significance for APC-Associated Polyposis Disorders. Last evaluated: 2018-04-20. Review status: criteria provided, single submitter. Criteria: ICSL Variant Classification Criteria 13 December 2019. Collection method: clinical testing. Allele origin: germline.

Literature cited by the submitters: PubMed 29562902 (cited by Women's Health and Genetics/Laboratory Corporation of America, LabCorp); PubMed 24470207 (cited by Women's Health and Genetics/Laboratory Corporation of America, LabCorp).